The following is an entry in ClinVar:

ClinVar aggregate classification (germline): Uncertain significance (1 of 4 stars; one submission).

Conditions:
Drash syndrome (DDS). Also called: NEPHROPATHY, WILMS TUMOR, AND GENITAL ANOMALIES; WILMS TUMOR AND PSEUDO- OR TRUE HERMAPHRODITISM. Identifiers: Orphanet 220, MedGen C0950121, MONDO:0008682, OMIM 194080.
Wilms tumor 1 (WT1). Also called: Wilms tumor, somatic. Identifiers: Orphanet 654, MedGen CN033288, MONDO:0008679, OMIM 194070.
11p partial monosomy syndrome (WAGR). Also called: WAGR syndrome; WAGR Complex; CHROMOSOME 11p13 DELETION SYNDROME; WAGR Spectrum Disorder. Identifiers: Orphanet 893, MedGen C0206115, MONDO:0008681, OMIM 194072.
Frasier syndrome. Identifiers: Orphanet 347, MedGen C0950122, MeSH D052159, MONDO:0007635, OMIM 136680.

Submission:

Labcorp Genetics (formerly Invitae), Labcorp
Classification: Uncertain significance for Wilms tumor 1; Drash syndrome; 11p partial monosomy syndrome; Frasier syndrome. Last evaluated: 2021-05-16. Review status: criteria provided, single submitter. Criteria: Invitae Variant Classification Sherloc (09022015). Collection method: clinical testing. Allele origin: germline.
Comment: This variant has not been reported in the literature in individuals with WT1-related conditions. In summary, the available evidence is currently insufficient to determine the role of this variant in disease. Therefore, it has been classified as a Variant of Uncertain Significance. Nucleotide substitutions within the consensus splice site are a relatively common cause of aberrant splicing (PMID: 17576681, 9536098). Algorithms developed to predict the effect of sequence changes on RNA splicing suggest that this variant may create or strengthen a splice site, but this prediction has not been confirmed by published transcriptional studies. This variant is not present in population databases (ExAC no frequency). This sequence change falls in intron 2 of the WT1 gene. It does not directly change the encoded amino acid sequence of the WT1 protein. It affects a nucleotide within the consensus splice site of the intron.

Literature cited by the submitters: PubMed 17576681; PubMed 9536098.

NM_024426.6(WT1):c.785-3C>T

Gene: WT1 (WT1 transcription factor; minus strand). Cytogenetic location: 11p13.
Variant type: single nucleotide variant.
Coding change: c.785-3C>T on transcript NM_024426.6 (MANE Select); 3 bases into the intron before coding-DNA position 785, C replaced by T.
Molecular consequence: intron variant.
Genome position (GRCh38, 1-based): chr11:32,428,061, G>A on the plus strand (C>T on the coding strand, the complement: WT1 is on the minus strand). VCF-style: chr11-32428061-G-A. GRCh37 (hg19) VCF-style: chr11-32449607-G-A.
Other names: c.662-3C>T (NM_001407050.1, NM_001407047.1); c.785-3C>T (NM_001407048.1, NM_001407049.1, NM_000378.6 and 4 more transcripts); c.23-3C>T (NM_001407051.1); c.134-3C>T (NM_001198552.2, NM_001198551.2).
Identifiers: ClinVar variation 1416787 (VCV001416787.7), dbSNP rs1590394595, ClinGen allele CA1962323332.